The following is an entry in ClinVar:

ClinVar aggregate classification (germline): Uncertain significance (1 of 4 stars; one submission).

Conditions:
Severe myoclonic epilepsy in infancy (DRVT). Also called: DEVELOPMENTAL AND EPILEPTIC ENCEPHALOPATHY 6A; Severe Myoclonic Epilepsy in Infancy (SMEI); Dravet syndrome; SEVERE MYOCLONIC EPILEPSY OF INFANCY; Epileptic encephalopathy, early infantile, 6 (Dravet syndrome). Identifiers: Orphanet 33069, MedGen C0751122, MONDO:0100135, OMIM 607208.

Submission:

Labcorp Genetics (formerly Invitae), Labcorp
Classification: Uncertain significance for Severe myoclonic epilepsy in infancy. Last evaluated: 2021-12-20. Review status: criteria provided, single submitter. Criteria: Invitae Variant Classification Sherloc (09022015). Collection method: clinical testing. Allele origin: germline.
Comment: This variant has not been reported in the literature in individuals affected with SNX27-related conditions. In summary, the available evidence is currently insufficient to determine the role of this variant in disease. Therefore, it has been classified as a Variant of Uncertain Significance. Algorithms developed to predict the effect of missense changes on protein structure and function (SIFT, PolyPhen-2, Align-GVGD) all suggest that this variant is likely to be disruptive. This variant is not present in population databases (gnomAD no frequency). This sequence change replaces tyrosine, which is neutral and polar, with histidine, which is basic and polar, at codon 379 of the SNX27 protein (p.Tyr379His).

NM_001330723.2(SNX27):c.1135T>C (p.Tyr379His)

Gene: SNX27 (sorting nexin 27; plus strand). Cytogenetic location: 1q21.3.
Variant type: single nucleotide variant.
Coding change: c.1135T>C on transcript NM_001330723.2 (MANE Select); coding-DNA position 1135, T replaced by C.
Protein change: p.Tyr379His; replaces tyrosine 379 with histidine.
Molecular consequence: missense variant.
Genome position (GRCh38, 1-based): chr1:151,668,621, T>C. VCF-style: chr1-151668621-T-C. GRCh37 (hg19) VCF-style: chr1-151641097-T-C.
Other names: c.1135T>C, p.Tyr379His (NM_030918.6); short protein forms Y379H.
Identifiers: ClinVar variation 2049604 (VCV002049604.4), dbSNP rs2525038156, ClinGen allele CA341966569.
Genomic context (GRCh38, chr1:151,668,621, plus strand): 5'-AAGTGGCTTTTTACAACAGAAGAAGAAATTCTCTTAAATGACAATGACCTTGCTGTTACC[T>C]ACTTCTTTCATCAGGTAGGTGAATTGATCTTCTTGAAAGGCACAATTTCTTTTTATGTTT-3'
Protein context (NP_001317652.1, residues 369-389): LLNDNDLAVT[Tyr379His]FFHQAVDDVK